The following is an entry in ClinVar:

NM_030962.4(SBF2):c.4970C>T (p.Pro1657Leu)

Genes: SBF2 (SET binding factor 2; minus strand), SBF2-AS1 (SBF2 antisense RNA 1; plus strand), LOC105369149 (uncharacterized LOC105369149; plus strand). Cytogenetic location: 11p15.4.
Variant type: single nucleotide variant.
Coding change: c.4970C>T on transcript NM_030962.4 (MANE Select); coding-DNA position 4970, C replaced by T.
Protein change: p.Pro1657Leu; replaces proline 1657 with leucine.
Molecular consequence: missense variant.
Genome position (GRCh38, 1-based): chr11:9,787,701, G>A on the plus strand (C>T on the coding strand, the complement: SBF2 is on the minus strand). VCF-style: chr11-9787701-G-A. GRCh37 (hg19) VCF-style: chr11-9809248-G-A.
Other names: c.5066C>T, p.Pro1689Leu (NM_001386339.1); c.4841C>T, p.Pro1614Leu (NM_001386342.1); short protein forms P1657L, P1614L, P1689L.
Identifiers: ClinVar variation 650254 (VCV000650254.7), dbSNP rs771021009, ClinGen allele CA5880852.
Genomic context (GRCh38, chr11:9,787,701, plus strand): 5'-GTTCTTGGTTCTTCTTTAAGGTCCACGGTTACCCTTTCCCACAGCTGCTGCCACTTCTCA[G>A]GGGCTTGGTTCAATTTGTGCTCCAATTTTTCAATTTCCTGCAAAGAAATTAAAAGTTTTC-3'
Protein context (NP_112224.1, residues 1647-1667): EKLEHKLNQA[Pro1657Leu]EKWQQLWERV

ClinVar aggregate classification (germline): Uncertain significance. Review status: criteria provided, multiple submitters, no conflicts (2 of 4 stars). 2 submissions from 2 submitters: Uncertain significance (2). Last evaluated 2025-06-05.

Conditions:
Charcot-Marie-Tooth disease type 4. Also called: Charcot-Marie-Tooth, Type 4; Charcot-Marie-Tooth disease, type IV. Identifiers: Orphanet 64749, MedGen C4082197, MONDO:0018995.

Allele frequency attached by ClinVar (database versions not stated): gnomAD exomes below 0.00001; ExAC 0.00001; gnomAD 0.00001.
gnomAD v4.1: 2 of 1,614,074 alleles (0.00012%); highest among the groups gnomAD compares: Admixed American, 0.0017%; no homozygotes.

Submissions (2):

Women's Health and Genetics/Laboratory Corporation of America, LabCorp
Classification: Uncertain significance. Last evaluated: 2025-06-05. Review status: criteria provided, single submitter. Criteria: LabCorp Variant Classification Summary - May 2015. Collection method: clinical testing. Allele origin: germline.
Comment: Variant summary: SBF2 c.4970C>T (p.Pro1657Leu) results in a non-conservative amino acid change in the encoded protein sequence. Algorithms developed to predict the effect of missense changes on protein structure and function are either unavailable or do not agree on the potential impact of this missense change. The variant allele was found at a frequency of 4e-06 in 251488 control chromosomes. The available data on variant occurrences in the general population are insufficient to allow any conclusion about variant significance. To our knowledge, no occurrence of c.4970C>T in individuals affected with Charcot-Marie-Tooth disease type 4B2 and no experimental evidence demonstrating its impact on protein function have been reported. ClinVar contains an entry for this variant (Variation ID: 650254). Based on the evidence outlined above, the variant was classified as uncertain significance.

Labcorp Genetics (formerly Invitae), Labcorp
Classification: Uncertain significance for Charcot-Marie-Tooth disease type 4. Last evaluated: 2021-08-24. Review status: criteria provided, single submitter. Criteria: Invitae Variant Classification Sherloc (09022015). Collection method: clinical testing. Allele origin: germline.
Comment: This sequence change replaces proline with leucine at codon 1657 of the SBF2 protein (p.Pro1657Leu). The proline residue is moderately conserved and there is a moderate physicochemical difference between proline and leucine. This variant is present in population databases (rs771021009, ExAC 0.009%). This variant has not been reported in the literature in individuals affected with SBF2-related conditions. Algorithms developed to predict the effect of missense changes on protein structure and function are either unavailable or do not agree on the potential impact of this missense change (SIFT: "Deleterious"; PolyPhen-2: "Possibly Damaging"; Align-GVGD: "Class C0"). In summary, the available evidence is currently insufficient to determine the role of this variant in disease. Therefore, it has been classified as a Variant of Uncertain Significance.